The following is an entry in ClinVar:

ClinVar aggregate classification (germline): Uncertain significance (1 of 4 stars; one submission).

Submission:

Ambry Genetics
Classification: Uncertain significance. Last evaluated: 2025-06-03. Review status: criteria provided, single submitter. Criteria: Ambry Variant Classification Scheme 2023. Collection method: clinical testing. Allele origin: germline.
Comment: The p.Q486L variant (also known as c.1457A>T), located in coding exon 15 of the SRP72 gene, results from an A to T substitution at nucleotide position 1457. The glutamine at codon 486 is replaced by leucine, an amino acid with dissimilar properties. This amino acid position is conserved. In addition, this alteration is predicted to be deleterious by in silico analysis. Based on the available evidence, the clinical significance of this variant remains unclear.

NM_006947.4(SRP72):c.1457A>T (p.Gln486Leu)

Gene: SRP72 (signal recognition particle 72; plus strand). Cytogenetic location: 4q12.
Variant type: single nucleotide variant.
Coding change: c.1457A>T on transcript NM_006947.4 (MANE Select); coding-DNA position 1457, A replaced by T.
Protein change: p.Gln486Leu; replaces glutamine 486 with leucine.
Molecular consequence: missense variant. On other transcripts: non-coding transcript variant (1).
Genome position (GRCh38, 1-based): chr4:56,490,600, A>T. VCF-style: chr4-56490600-A-T. GRCh37 (hg19) VCF-style: chr4-57356766-A-T.
Other names: c.1274A>T, p.Gln425Leu (NM_001267722.2); short protein forms Q486L, Q425L.
Identifiers: ClinVar variation 3962135 (VCV003962135.1).